The following is an entry in ClinVar:

NM_006030.4(CACNA2D2):c.814G>A (p.Asp272Asn)

Gene: CACNA2D2 (calcium voltage-gated channel auxiliary subunit alpha2delta 2; minus strand). Cytogenetic location: 3p21.31.
Variant type: single nucleotide variant.
Coding change: c.814G>A on transcript NM_006030.4 (MANE Select); coding-DNA position 814, G replaced by A.
Protein change: p.Asp272Asn; replaces aspartic acid 272 with asparagine.
Molecular consequence: missense variant.
Genome position (GRCh38, 1-based): chr3:50,380,776, C>T on the plus strand (G>A on the coding strand, the complement: CACNA2D2 is on the minus strand). VCF-style: chr3-50380776-C-T. GRCh37 (hg19) VCF-style: chr3-50418207-C-T.
Other names: c.814G>A, p.Asp272Asn (NM_001005505.3, NM_001174051.3); c.607G>A, p.Asp203Asn (NM_001291101.1); short protein forms D272N, D203N.
Identifiers: ClinVar variation 969445 (VCV000969445.5), dbSNP rs370218675, ClinGen allele CA2419068.

ClinVar aggregate classification (germline): Uncertain significance (1 of 4 stars; one submission).

Conditions:
Developmental and epileptic encephalopathy. Identifiers: MedGen C5779964, MONDO:0100620.

Allele frequency attached by ClinVar (database versions not stated): gnomAD exomes below 0.00001 and 0.00001; ExAC 0.00002; gnomAD 0.00002; TOPMed 0.00002; ESP Exome Variant Server 0.00008.
gnomAD v4.1: 7 of 1,549,138 alleles (0.00045%); highest among the groups gnomAD compares: African/African-American, 0.0028%; no homozygotes.

Submission:

Labcorp Genetics (formerly Invitae), Labcorp
Classification: Uncertain significance for Early-infantile DEE. Last evaluated: 2022-02-04. Review status: criteria provided, single submitter. Criteria: Invitae Variant Classification Sherloc (09022015). Collection method: clinical testing. Allele origin: germline.
Comment: This sequence change replaces aspartic acid, which is acidic and polar, with asparagine, which is neutral and polar, at codon 272 of the CACNA2D2 protein (p.Asp272Asn). The frequency data for this variant in the population databases is considered unreliable, as metrics indicate poor data quality at this position in the gnomAD database. This variant has not been reported in the literature in individuals affected with CACNA2D2-related conditions. ClinVar contains an entry for this variant (Variation ID: 969445). Algorithms developed to predict the effect of missense changes on protein structure and function are either unavailable or do not agree on the potential impact of this missense change (SIFT: "Deleterious"; PolyPhen-2: "Probably Damaging"; Align-GVGD: "Class C0"). In summary, the available evidence is currently insufficient to determine the role of this variant in disease. Therefore, it has been classified as a Variant of Uncertain Significance.